The following is an entry in ClinVar:

NM_000326.5(RLBP1):c.685-2A>G

Gene: RLBP1 (retinaldehyde binding protein 1; minus strand). Cytogenetic location: 15q26.1.
Variant type: single nucleotide variant.
Coding change: c.685-2A>G on transcript NM_000326.5 (MANE Select); the canonical splice acceptor site of the intron before coding-DNA position 685, A replaced by G.
Molecular consequence: splice acceptor variant.
Genome position (GRCh38, 1-based): chr15:89,210,811, T>C on the plus strand (A>G on the coding strand, the complement: RLBP1 is on the minus strand). VCF-style: chr15-89210811-T-C. GRCh37 (hg19) VCF-style: chr15-89754042-T-C.
Identifiers: ClinVar variation 3775881 (VCV003775881.1).

ClinVar aggregate classification (germline): Likely pathogenic (1 of 4 stars; one submission).

Conditions:
Bothnia retinal dystrophy. Also called: VASTERBOTTEN DYSTROPHY. Identifiers: Orphanet 85128, MedGen C1843816, MONDO:0011838, OMIM 607475.

Submission:

3billion
Classification: Likely pathogenic for Bothnia retinal dystrophy. Last evaluated: 2023-08-23. Review status: criteria provided, single submitter. Criteria: ACMG Guidelines, 2015. Collection method: clinical testing. Allele origin: germline. Affected: yes.
Comment: The variant is not observed in the gnomAD v2.1.1 dataset. Predicted Consequence/Location: Canonical splice site: predicted to alter splicing and result in a loss or disruption of normal protein function. Multiple pathogenic loss-of-function variants are reported downstream of the variant. Therefore, this variant is classified as Likely pathogenic according to the recommendation of ACMG/AMP guideline.